The following is an entry in ClinVar:

NM_001394998.1(TANC2):c.1469T>C (p.Leu490Pro)

Gene: TANC2 (tetratricopeptide repeat, ankyrin repeat and coiled-coil containing 2; plus strand). Cytogenetic location: 17q23.3.
Variant type: single nucleotide variant.
Coding change: c.1469T>C on transcript NM_001394998.1 (MANE Select); coding-DNA position 1469, T replaced by C.
Protein change: p.Leu490Pro; replaces leucine 490 with proline.
Molecular consequence: missense variant.
Genome position (GRCh38, 1-based): chr17:63,318,984, T>C. VCF-style: chr17-63318984-T-C. GRCh37 (hg19) VCF-style: chr17-61396345-T-C.
Other names: c.1247T>C, p.Leu416Pro (NM_001411076.1, NM_025185.4); short protein forms L416P, L490P.
Identifiers: ClinVar variation 4865302 (VCV004865302.1).

ClinVar aggregate classification (germline): Uncertain significance (1 of 4 stars; one submission).

Conditions:
Inborn genetic diseases. Identifiers: MedGen C0950123, MeSH D030342.

gnomAD v4.1: 2 of 1,613,176 alleles (0.00012%); highest among the groups gnomAD compares: South Asian, 0.0022%; no homozygotes.

Submission:

Ambry Genetics
Classification: Uncertain significance for Inborn genetic diseases. Last evaluated: 2026-05-12. Review status: criteria provided, single submitter. Criteria: Ambry Variant Classification Scheme 2023. Collection method: clinical testing. Allele origin: germline.
Comment: The c.1247T>C (p.L416P) alteration is located in exon 9 (coding exon 9) of the TANC2 gene. This alteration results from a T to C substitution at nucleotide position 1247, causing the leucine (L) at amino acid position 416 to be replaced by a proline (P). Based on data from gnomAD, the C allele has an overall frequency of <0.001% (1/249108) total alleles studied. The highest observed frequency was 0.003% (1/30588) of South Asian alleles. Based on insufficient or conflicting evidence, the clinical significance of this alteration remains unclear.